The following is an entry in ClinVar:

NM_005002.5(NDUFA9):c.553-17G>A

Gene: NDUFA9 (NADH:ubiquinone oxidoreductase subunit A9; plus strand). Cytogenetic location: 12p13.32.
Variant type: single nucleotide variant.
Coding change: c.553-17G>A on transcript NM_005002.5 (MANE Select); 17 bases into the intron before coding-DNA position 553, G replaced by A.
Molecular consequence: intron variant.
Genome position (GRCh38, 1-based): chr12:4,662,516, G>A. VCF-style: chr12-4662516-G-A. GRCh37 (hg19) VCF-style: chr12-4771682-G-A.
Identifiers: ClinVar variation 138449 (VCV000138449.13), dbSNP rs2267549, ClinGen allele CA292439.

ClinVar aggregate classification (germline): Benign. Review status: criteria provided, multiple submitters, no conflicts (2 of 4 stars). 4 submissions from 4 submitters: Benign (4). Last evaluated 2026-02-03.

Conditions:
Mitochondrial complex I deficiency, nuclear type 26. Also called: Mitochondrial complex 1 deficiency, nuclear type 26. Identifiers: MedGen C4748809, MONDO:0032630, OMIM 618247.

Allele frequency attached by ClinVar (database versions not stated): 1000 Genomes Project 30x 0.34588; 1000 Genomes Project 0.34685; ESP Exome Variant Server 0.36898; TOPMed 0.38219; gnomAD 0.38648 and 0.38719; ExAC 0.42513; gnomAD exomes 0.43465 and 0.44146.
gnomAD v4.1: 695,123 of 1,596,844 alleles (44%); highest among the groups gnomAD compares: Admixed American, 55%; 155,366 homozygotes.

Submissions (4):

Labcorp Genetics (formerly Invitae), Labcorp
Classification: Benign. Last evaluated: 2026-02-03. Review status: criteria provided, single submitter. Criteria: Invitae Variant Classification Sherloc (09022015). Collection method: clinical testing. Allele origin: germline.

Genome-Nilou Lab
Classification: Benign for Mitochondrial complex I deficiency, nuclear type 26. Last evaluated: 2021-09-05. Review status: criteria provided, single submitter. Criteria: ACMG Guidelines, 2015. Collection method: clinical testing. Allele origin: germline. Affected: no.

GeneDx
Classification: Benign. Last evaluated: 2013-09-05. Review status: criteria provided, single submitter. Criteria: GeneDx Variant Classification (06012015). Collection method: clinical testing. Allele origin: germline. Affected: yes.
Comment: This variant is considered likely benign or benign based on one or more of the following criteria: it is a conservative change, it occurs at a poorly conserved position in the protein, it is predicted to be benign by multiple in silico algorithms, and/or has population frequency not consistent with disease.

Breakthrough Genomics
Classification: Benign. Review status: criteria provided, single submitter. Criteria: ACMG Guidelines, 2015. Collection method: not provided. Allele origin: germline. Inheritance: Autosomal recessive inheritance. Affected: yes.